The following is an entry in ClinVar:

NM_003327.4(TNFRSF4):c.635-51C>T

Gene: TNFRSF4 (TNF receptor superfamily member 4; minus strand). Cytogenetic location: 1p36.33.
Variant type: single nucleotide variant.
Coding change: c.635-51C>T on transcript NM_003327.4 (MANE Select); 51 bases into the intron before coding-DNA position 635, C replaced by T.
Molecular consequence: intron variant.
Genome position (GRCh38, 1-based): chr1:1,211,883, G>A on the plus strand (C>T on the coding strand, the complement: TNFRSF4 is on the minus strand). VCF-style: chr1-1211883-G-A. GRCh37 (hg19) VCF-style: chr1-1147263-G-A.
Other names: c.635-51C>T (NM_001410709.1).
Identifiers: ClinVar variation 3250604 (VCV003250604.18), dbSNP rs372923867.

ClinVar aggregate classification (germline): Likely benign (1 of 4 stars; one submission).

Allele frequency attached by ClinVar (database versions not stated): ESP Exome Variant Server 0.00010; gnomAD 0.00014; ExAC 0.00027; 1000 Genomes Project 30x 0.00031; 1000 Genomes Project 0.00040.

Submission:

CeGaT Center for Human Genetics Tuebingen
Classification: Likely benign. Last evaluated: 2024-06-01. Review status: criteria provided, single submitter. Criteria: CeGaT Center For Human Genetics Tuebingen Variant Classification Criteria Version 2. Collection method: clinical testing. Allele origin: germline. Affected: yes. Observed: 1 variant allele.
Comment: TNFRSF4: BP4, BP7